The following is an entry in ClinVar:

ClinVar aggregate classification (germline): Uncertain significance (1 of 4 stars; one submission).

Conditions:
Methylmalonic acidemia due to transcobalamin receptor defect (MATR). Also called: METHYLMALONIC ACIDURIA, TRANSIENT, DUE TO TRANSCOBALAMIN RECEPTOR DEFECT; METHYLMALONIC ACIDEMIA, TCblR TYPE. Identifiers: Orphanet 280183, MedGen C4749905, MONDO:0013341, OMIM 613646.

gnomAD v4.1: 7 of 1,558,256 alleles (0.00045%); highest among the groups gnomAD compares: East Asian, 0.0024%; no homozygotes.

Submission:

Labcorp Genetics (formerly Invitae), Labcorp
Classification: Uncertain significance for Methylmalonic acidemia due to transcobalamin receptor defect. Last evaluated: 2024-11-05. Review status: criteria provided, single submitter. Criteria: Invitae Variant Classification Sherloc (09022015). Collection method: clinical testing. Allele origin: germline.
Comment: This sequence change replaces alanine, which is neutral and non-polar, with threonine, which is neutral and polar, at codon 35 of the CD320 protein (p.Ala35Thr). This variant is not present in population databases (gnomAD no frequency). This variant has not been reported in the literature in individuals affected with CD320-related conditions. An algorithm developed to predict the effect of missense changes on protein structure and function (PolyPhen-2) suggests that this variant is likely to be tolerated. In summary, the available evidence is currently insufficient to determine the role of this variant in disease. Therefore, it has been classified as a Variant of Uncertain Significance.

NM_016579.4(CD320):c.103G>A (p.Ala35Thr)

Gene: CD320 (CD320 molecule; minus strand). Cytogenetic location: 19p13.2.
Variant type: single nucleotide variant.
Coding change: c.103G>A on transcript NM_016579.4 (MANE Select); coding-DNA position 103, G replaced by A.
Protein change: p.Ala35Thr; replaces alanine 35 with threonine.
Molecular consequence: missense variant.
Genome position (GRCh38, 1-based): chr19:8,308,188, C>T on the plus strand (G>A on the coding strand, the complement: CD320 is on the minus strand). VCF-style: chr19-8308188-C-T. GRCh37 (hg19) VCF-style: chr19-8373072-C-T.
Other names: c.103G>A, p.Ala35Thr (NM_001165895.2); short protein forms A35T.
Identifiers: ClinVar variation 3611386 (VCV003611386.2).